The following is an entry in ClinVar:

ClinVar aggregate classification (germline): Uncertain significance. Review status: criteria provided, multiple submitters, no conflicts (2 of 4 stars). 3 submissions from 3 submitters: Uncertain significance (3). Last evaluated 2026-08-17.

Conditions:
Myofibrillar myopathy 6. Identifiers: Orphanet 199340, MedGen C2751831, MONDO:0013061, OMIM 612954.
Dilated cardiomyopathy 1HH (CMD1HH). Identifiers: Orphanet 154, MedGen C3151293, MONDO:0013479, OMIM 613881.
Cardiovascular phenotype. Identifiers: MedGen CN230736.

Allele frequency attached by ClinVar (database versions not stated): 1000 Genomes Project 30x 0.00047; gnomAD exomes below 0.00001 and 0.00001; ExAC 0.00001; gnomAD 0.00001; 1000 Genomes Project 0.00020; TOPMed 0.00001.
gnomAD v4.1: 13 of 1,614,244 alleles (0.00081%); highest among the groups gnomAD compares: Admixed American, 0.0083%; no homozygotes.

Submissions (3):

Ambry Genetics
Classification: Uncertain significance for Cardiovascular phenotype. Last evaluated: 2026-08-17. Review status: criteria provided, single submitter. Criteria: Ambry Variant Classification Scheme 2023. Collection method: clinical testing. Allele origin: germline.

Labcorp Genetics (formerly Invitae), Labcorp
Classification: Uncertain significance for Dilated cardiomyopathy 1HH; Myofibrillar myopathy 6. Last evaluated: 2025-11-13. Review status: criteria provided, single submitter. Criteria: Invitae Variant Classification Sherloc (09022015). Collection method: clinical testing. Allele origin: germline.
Comment: This sequence change replaces asparagine, which is neutral and polar, with lysine, which is basic and polar, at codon 105 of the BAG3 protein (p.Asn105Lys). This variant is present in population databases (rs566015884, gnomAD 0.003%). This variant has not been reported in the literature in individuals affected with BAG3-related conditions. ClinVar contains an entry for this variant (Variation ID: 936352). Invitae Evidence Modeling of protein sequence and biophysical properties (such as structural, functional, and spatial information, amino acid conservation, physicochemical variation, residue mobility, and thermodynamic stability) indicates that this missense variant is not expected to disrupt BAG3 protein function with a negative predictive value of 80%. In summary, the available evidence is currently insufficient to determine the role of this variant in disease. Therefore, it has been classified as a Variant of Uncertain Significance.

Fulgent Genetics
Classification: Uncertain significance for Myofibrillar myopathy 6; Dilated cardiomyopathy 1HH. Last evaluated: 2021-08-31. Review status: criteria provided, single submitter. Criteria: ACMG Guidelines, 2015. Collection method: clinical testing. Allele origin: unknown.

NM_004281.4(BAG3):c.315C>G (p.Asn105Lys)

Gene: BAG3 (BAG cochaperone 3; plus strand). Cytogenetic location: 10q26.11.
Variant type: single nucleotide variant.
Coding change: c.315C>G on transcript NM_004281.4 (MANE Select); coding-DNA position 315, C replaced by G.
Protein change: p.Asn105Lys; replaces asparagine 105 with lysine.
Molecular consequence: missense variant.
Genome position (GRCh38, 1-based): chr10:119,669,985, C>G. VCF-style: chr10-119669985-C-G. GRCh37 (hg19) VCF-style: chr10-121429497-C-G.
Other names: short protein forms N105K.
Identifiers: ClinVar variation 936352 (VCV000936352.11), dbSNP rs566015884, ClinGen allele CA5716288.